The following is an entry in ClinVar:

ClinVar aggregate classification (germline): Likely benign (1 of 4 stars; one submission).

Submission:

CeGaT Center for Human Genetics Tuebingen
Classification: Likely benign. Last evaluated: 2022-10-01. Review status: criteria provided, single submitter. Criteria: CeGaT Center For Human Genetics Tuebingen Variant Classification Criteria Version 2. Collection method: clinical testing. Allele origin: germline. Affected: yes. Observed: 1 variant allele.
Comment: CCSER1: PM2:Supporting, BP4, BP7

NM_001145065.2(CCSER1):c.1009T>C (p.Leu337=)

Gene: CCSER1 (coiled-coil serine rich protein 1; plus strand). Cytogenetic location: 4q22.1.
Variant type: single nucleotide variant.
Coding change: c.1009T>C on transcript NM_001145065.2 (MANE Select); coding-DNA position 1009, T replaced by C.
Protein change: p.Leu337=; no amino-acid change (leucine 337 retained).
Molecular consequence: synonymous variant.
Genome position (GRCh38, 1-based): chr4:90,309,293, T>C. VCF-style: chr4-90309293-T-C. GRCh37 (hg19) VCF-style: chr4-91230444-T-C.
Other names: c.1009T>C, p.Leu337= (NM_001377987.1, NM_207491.2).
Identifiers: ClinVar variation 2654950 (VCV002654950.24), dbSNP rs2545850380, ClinGen allele CA440517057.